The following is an entry in ClinVar:

NM_017649.5(CNNM2):c.2389C>T (p.Arg797Ter)

Gene: CNNM2 (cyclin and CBS domain divalent metal cation transport mediator 2; plus strand). Cytogenetic location: 10q24.32.
Variant type: single nucleotide variant.
Coding change: c.2389C>T on transcript NM_017649.5 (MANE Select); coding-DNA position 2389, C replaced by T.
Protein change: p.Arg797Ter; replaces arginine 797 with a stop codon.
Molecular consequence: nonsense.
Genome position (GRCh38, 1-based): chr10:103,076,241, C>T. VCF-style: chr10-103076241-C-T. GRCh37 (hg19) VCF-style: chr10-104835998-C-T.
Other names: c.2323C>T, p.Arg775Ter (NM_199076.3); short protein forms R775*, R797*.
Identifiers: ClinVar variation 996055 (VCV000996055.4), dbSNP rs2065688398, ClinGen allele CA377964267.

ClinVar aggregate classification (germline): Conflicting classifications of pathogenicity. Review status: criteria provided, conflicting classifications (1 of 4 stars). 3 submissions from 3 submitters: Likely pathogenic (1); Uncertain significance (1). 1 of the submissions does not count toward it. Last evaluated 2026-03-17.

Conditions:
Hypomagnesemia, seizures, and impaired intellectual development 1. Also called: Hypomagnesemia, seizures, and intellectual disability 1. Identifiers: Orphanet 34527, MedGen C4225333, MONDO:0020787, OMIM 616418.

Submissions (3):

GeneDx
Classification: Likely pathogenic. Last evaluated: 2026-03-17. Review status: criteria provided, single submitter. Criteria: GeneDx Variant Classification Process June 2021. Collection method: clinical testing. Allele origin: germline.
Comment: Published functional studies suggest a damaging effect to the CNNM2 derived protein (PMID: 33600043); Nonsense variant predicted to result in protein truncation as the last 79 amino acids are lost; Not observed at significant frequency in large population cohorts (gnomAD); De novo variant with confirmed parentage in patients referred for genetic testing at GeneDx with reported clinical features that are only partially consistent with the features typically observed in individuals with pathogenic variants in this gene; This variant is associated with the following publications: (PMID: 38519529, 33600043)

Blueprint Genetics
Classification: Uncertain significance. Last evaluated: 2021-04-15. Review status: criteria provided, single submitter. Criteria: ACMG Guidelines, 2015. Collection method: clinical testing. Allele origin: germline.

Physiology, Radboud University Medical Center
Classification: Pathogenic for Hypomagnesemia, seizures, and impaired intellectual development 1. Last evaluated: 2021-01-22. Review status: no assertion criteria provided. Collection method: research. Allele origin: de novo. Affected: yes. Not counted in ClinVar's aggregate classification.